The following is an entry in ClinVar:

ClinVar aggregate classification (germline): Uncertain significance. Review status: criteria provided, multiple submitters, no conflicts (2 of 4 stars). 3 submissions from 3 submitters: Uncertain significance (3). Last evaluated 2025-10-02.

Conditions:
Inborn genetic diseases. Identifiers: MedGen C0950123, MeSH D030342.

Submissions (3):

Ambry Genetics
Classification: Uncertain significance for Inborn genetic diseases. Last evaluated: 2025-10-02. Review status: criteria provided, single submitter. Criteria: Ambry Variant Classification Scheme 2023. Collection method: clinical testing. Allele origin: germline.
Comment: The p.I573M variant (also known as c.1719A>G), located in coding exon 1 of the SAMD9 gene, results from an A to G substitution at nucleotide position 1719. The isoleucine at codon 573 is replaced by methionine, an amino acid with highly similar properties. This amino acid position is conserved. In addition, this alteration is predicted to be tolerated by in silico analysis. Based on the available evidence, the clinical significance of this variant remains unclear.

GeneDx
Classification: Uncertain significance. Last evaluated: 2023-12-23. Review status: criteria provided, single submitter. Criteria: GeneDx Variant Classification Process June 2021. Collection method: clinical testing. Allele origin: germline. Affected: yes.
Comment: Not observed at significant frequency in large population cohorts (gnomAD); In silico analysis supports that this missense variant does not alter protein structure/function; Has not been previously published as pathogenic or benign to our knowledge; This variant is associated with the following publications: (PMID: 28545555)

Labcorp Genetics (formerly Invitae), Labcorp
Classification: Uncertain significance. Last evaluated: 2022-05-22. Review status: criteria provided, single submitter. Criteria: Invitae Variant Classification Sherloc (09022015). Collection method: clinical testing. Allele origin: germline.
Comment: This sequence change replaces isoleucine, which is neutral and non-polar, with methionine, which is neutral and non-polar, at codon 573 of the SAMD9 protein (p.Ile573Met). This variant is not present in population databases (gnomAD no frequency). This variant has not been reported in the literature in individuals affected with SAMD9-related conditions. Algorithms developed to predict the effect of missense changes on protein structure and function output the following: SIFT: "Tolerated"; PolyPhen-2: "Benign"; Align-GVGD: "Class C0". The methionine amino acid residue is found in multiple mammalian species, which suggests that this missense change does not adversely affect protein function. In summary, the available evidence is currently insufficient to determine the role of this variant in disease. Therefore, it has been classified as a Variant of Uncertain Significance.

NM_017654.4(SAMD9):c.1719A>G (p.Ile573Met)

Gene: SAMD9 (sterile alpha motif domain containing 9; minus strand). Cytogenetic location: 7q21.2.
Variant type: single nucleotide variant.
Coding change: c.1719A>G on transcript NM_017654.4 (MANE Select); coding-DNA position 1719, A replaced by G.
Protein change: p.Ile573Met; replaces isoleucine 573 with methionine.
Molecular consequence: missense variant.
Genome position (GRCh38, 1-based): chr7:93,104,379, T>C on the plus strand (A>G on the coding strand, the complement: SAMD9 is on the minus strand). VCF-style: chr7-93104379-T-C. GRCh37 (hg19) VCF-style: chr7-92733692-T-C.
Other names: c.1719A>G (NM_017654.3); c.1719A>G, p.Ile573Met (NM_001193307.2); short protein forms I573M.
Identifiers: ClinVar variation 2095204 (VCV002095204.3), dbSNP rs2535360007, ClinGen allele CA368195144.
Genomic context (GRCh38, chr7:93,104,379, plus strand): 5'-TCTTGCTTCAAGTAGATCTTTCCATCCCTGAAATATGTGTGGGTGCACACAAATACACAG[T>C]ATATTTTCCATTCCTTTGAGATCCTGGTAGAAAGCACAGAAAGTCTCAATGAGGGGATCT-3'
Protein context (NP_060124.2, residues 563-583): FYQDLKGMEN[Ile573Met]LCICVHPHIF